The following is an entry in ClinVar:

ClinVar aggregate classification (germline): Uncertain significance (1 of 4 stars; one submission).

Submission:

Labcorp Genetics (formerly Invitae), Labcorp
Classification: Uncertain significance. Last evaluated: 2023-08-07. Review status: criteria provided, single submitter. Criteria: Invitae Variant Classification Sherloc (09022015). Collection method: clinical testing. Allele origin: germline.
Comment: This sequence change replaces serine, which is neutral and polar, with arginine, which is basic and polar, at codon 505 of the RASA2 protein (p.Ser505Arg). This variant is not present in population databases (gnomAD no frequency). This variant has not been reported in the literature in individuals affected with RASA2-related conditions. Advanced modeling of protein sequence and biophysical properties (such as structural, functional, and spatial information, amino acid conservation, physicochemical variation, residue mobility, and thermodynamic stability) performed at Invitae indicates that this missense variant is expected to disrupt RASA2 protein function. In summary, the available evidence is currently insufficient to determine the role of this variant in disease. Therefore, it has been classified as a Variant of Uncertain Significance.

NM_006506.5(RASA2):c.1515C>G (p.Ser505Arg)

Gene: RASA2 (RAS p21 protein activator 2; plus strand). Cytogenetic location: 3q23.
Variant type: single nucleotide variant.
Coding change: c.1515C>G on transcript NM_006506.5 (MANE Select); coding-DNA position 1515, C replaced by G.
Protein change: p.Ser505Arg; replaces serine 505 with arginine.
Molecular consequence: missense variant.
Genome position (GRCh38, 1-based): chr3:141,577,031, C>G. VCF-style: chr3-141577031-C-G. GRCh37 (hg19) VCF-style: chr3-141295873-C-G.
Other names: c.1515C>G, p.Ser505Arg (NM_001303245.3, NM_001303246.3); short protein forms S505R.
Identifiers: ClinVar variation 2835317 (VCV002835317.3), dbSNP rs2478737790, ClinGen allele CA354778968.